The following is an entry in ClinVar:

NM_019892.6(INPP5E):c.279G>T (p.Arg93Ser)

Gene: INPP5E (inositol polyphosphate-5-phosphatase E; minus strand). Cytogenetic location: 9q34.3.
Variant type: single nucleotide variant.
Coding change: c.279G>T on transcript NM_019892.6 (MANE Select); coding-DNA position 279, G replaced by T.
Protein change: p.Arg93Ser; replaces arginine 93 with serine.
Molecular consequence: missense variant.
Genome position (GRCh38, 1-based): chr9:136,439,141, C>A on the plus strand (G>T on the coding strand, the complement: INPP5E is on the minus strand). VCF-style: chr9-136439141-C-A. GRCh37 (hg19) VCF-style: chr9-139333593-C-A.
Other names: c.279G>T, p.Arg93Ser (NM_001318502.2); short protein forms R93S.
Identifiers: ClinVar variation 377184 (VCV000377184.3), dbSNP rs1057520153, ClinGen allele CA16603292.

ClinVar aggregate classification (germline): Uncertain significance (1 of 4 stars; one submission).

Allele frequency attached by ClinVar (database versions not stated): gnomAD exomes below 0.00001.
gnomAD v4.1: 1 of 1,581,064 alleles (0.000063%); no homozygotes.

Submission:

Center for Pediatric Genomic Medicine, Children's Mercy Hospital and Clinics
Classification: Uncertain significance. Last evaluated: 2016-12-05. Review status: criteria provided, single submitter. Criteria: ACMG Guidelines, 2015. Collection method: clinical testing. Allele origin: germline.
ClinVar note: Converted during submission from Uncertain Significance to Uncertain significance.